The following is an entry in ClinVar:

ClinVar aggregate classification (germline): Uncertain significance. Review status: criteria provided, multiple submitters, no conflicts (2 of 4 stars). 2 submissions from 2 submitters: Uncertain significance (2). Last evaluated 2025-08-10.

Conditions:
Inborn genetic diseases. Identifiers: MedGen C0950123, MeSH D030342.

Allele frequency attached by ClinVar (database versions not stated): gnomAD exomes 0.00002; TOPMed 0.00002; gnomAD 0.00005.

Submissions (2):

Labcorp Genetics (formerly Invitae), Labcorp
Classification: Uncertain significance. Last evaluated: 2025-08-10. Review status: criteria provided, single submitter. Criteria: Invitae Variant Classification Sherloc (09022015). Collection method: clinical testing. Allele origin: germline.
Comment: This sequence change replaces tyrosine, which is neutral and polar, with aspartic acid, which is acidic and polar, at codon 116 of the KLF1 protein (p.Tyr116Asp). This variant is present in population databases (no rsID available, gnomAD 0.006%). This variant has not been reported in the literature in individuals affected with KLF1-related conditions. ClinVar contains an entry for this variant (Variation ID: 1945608). Invitae Evidence Modeling of protein sequence and biophysical properties (such as structural, functional, and spatial information, amino acid conservation, physicochemical variation, residue mobility, and thermodynamic stability) indicates that this missense variant is expected to disrupt KLF1 protein function with a positive predictive value of 80%. In summary, the available evidence is currently insufficient to determine the role of this variant in disease. Therefore, it has been classified as a Variant of Uncertain Significance.

Ambry Genetics
Classification: Uncertain significance for Inborn genetic diseases. Last evaluated: 2024-02-21. Review status: criteria provided, single submitter. Criteria: Ambry Variant Classification Scheme 2023. Collection method: clinical testing. Allele origin: germline.

NM_006563.5(KLF1):c.346T>G (p.Tyr116Asp)

Gene: KLF1 (KLF transcription factor 1; minus strand). Cytogenetic location: 19p13.13.
Variant type: single nucleotide variant.
Coding change: c.346T>G on transcript NM_006563.5 (MANE Select); coding-DNA position 346, T replaced by G.
Protein change: p.Tyr116Asp; replaces tyrosine 116 with aspartic acid.
Molecular consequence: missense variant.
Genome position (GRCh38, 1-based): chr19:12,885,884, A>C on the plus strand (T>G on the coding strand, the complement: KLF1 is on the minus strand). VCF-style: chr19-12885884-A-C. GRCh37 (hg19) VCF-style: chr19-12996698-A-C.
Other names: c.346T>G (NM_006563.3); short protein forms Y116D.
Identifiers: ClinVar variation 1945608 (VCV001945608.6), dbSNP rs969578382, ClinGen allele CA404309557.